The following is an entry in ClinVar:

ClinVar aggregate classification (germline): Uncertain significance. Review status: criteria provided, single submitter (1 of 4 stars). 2 submissions from 2 submitters: Uncertain significance (1). 1 of the submissions does not count toward it. Last evaluated 2025-03-17.

Conditions:
Neurodevelopmental disorder with dysmorphic facies and distal skeletal anomalies. Identifiers: MedGen C5231448, MONDO:0032855, OMIM 618659.

Allele frequency attached by ClinVar (database versions not stated): gnomAD exomes below 0.00001.
gnomAD v4.1: 2 of 1,614,014 alleles (0.00012%); highest among the groups gnomAD compares: South Asian, 0.0011%; no homozygotes.

Submissions (2):

Labcorp Genetics (formerly Invitae), Labcorp
Classification: Uncertain significance. Last evaluated: 2025-03-17. Review status: criteria provided, single submitter. Criteria: Invitae Variant Classification Sherloc (09022015). Collection method: clinical testing. Allele origin: germline.
Comment: This sequence change replaces asparagine, which is neutral and polar, with tyrosine, which is neutral and polar, at codon 804 of the ZMIZ1 protein (p.Asn804Tyr). This variant is not present in population databases (gnomAD no frequency). This variant has not been reported in the literature in individuals affected with ZMIZ1-related conditions. ClinVar contains an entry for this variant (Variation ID: 2752013). Invitae Evidence Modeling of protein sequence and biophysical properties (such as structural, functional, and spatial information, amino acid conservation, physicochemical variation, residue mobility, and thermodynamic stability) indicates that this missense variant is not expected to disrupt ZMIZ1 protein function with a negative predictive value of 95%. In summary, the available evidence is currently insufficient to determine the role of this variant in disease. Therefore, it has been classified as a Variant of Uncertain Significance.

Clinical Genetics Laboratory, University Hospital Schleswig-Holstein
Classification: Uncertain significance for Neurodevelopmental disorder with dysmorphic facies and distal skeletal anomalies. Last evaluated: 2022-11-17. Review status: no assertion criteria provided. Collection method: clinical testing. Allele origin: germline. Affected: yes. Not counted in ClinVar's aggregate classification.

NM_020338.4(ZMIZ1):c.2410A>T (p.Asn804Tyr)

Genes: ZMIZ1 (zinc finger MIZ-type containing 1; plus strand), LOC126860975 (CDK7 strongly-dependent group 2 enhancer GRCh37_chr10:81064163-81065362; plus strand). Cytogenetic location: 10q22.3.
Variant type: single nucleotide variant.
Coding change: c.2410A>T on transcript NM_020338.4 (MANE Select); coding-DNA position 2410, A replaced by T.
Protein change: p.Asn804Tyr; replaces asparagine 804 with tyrosine.
Molecular consequence: missense variant.
Genome position (GRCh38, 1-based): chr10:79,305,588, A>T. VCF-style: chr10-79305588-A-T. GRCh37 (hg19) VCF-style: chr10-81065345-A-T.
Other names: short protein forms N804Y.
Identifiers: ClinVar variation 2752013 (VCV002752013.4), dbSNP rs2492196009, ClinGen allele CA377342328.